The following is an entry in ClinVar:

ClinVar aggregate classification (germline): Conflicting classifications of pathogenicity. Review status: criteria provided, conflicting classifications (1 of 4 stars). 2 submissions from 2 submitters: Likely pathogenic (1); Uncertain significance (1). Last evaluated 2021-11-15.

Conditions:
Autosomal dominant Alport syndrome (ATS3A). Also called: Alport syndrome dominant type; Renal failure and sensorineural hearing loss; ALPORT SYNDROME 3A, AUTOSOMAL DOMINANT. Identifiers: Orphanet 63, Orphanet 88918, MedGen C5882663, MONDO:0007086, OMIM 104200.

Allele frequency attached by ClinVar (database versions not stated): gnomAD exomes below 0.00001.
gnomAD v4.1: 1 of 1,613,906 alleles (0.000062%); highest among the groups gnomAD compares: South Asian, 0.0011%; no homozygotes.

Submissions (2):

MVZ Medizinische Genetik Mainz
Classification: Likely pathogenic for Autosomal dominant Alport syndrome. Last evaluated: 2021-11-15. Review status: criteria provided, single submitter. Criteria: UK Practice Guidelines For Variant Classification V4 01 2020. Collection method: clinical testing. Allele origin: germline. Inheritance: Autosomal dominant inheritance. Affected: yes. Observed: 1 variant allele.
Comment: ACMG Criteria: PM1_STR, PM2_SUP, PM5_SUP, PP3, PP4 (ACMG Version 3)

Department of Nephrology, Rheumatology and Immunology, Shanghai Children's Hospital
Classification: Uncertain significance for Autosomal dominant Alport syndrome. Last evaluated: 2020-06-25. Review status: criteria provided, single submitter. Criteria: ACMG Guidelines, 2015. Collection method: clinical testing. Allele origin: maternal. Affected: yes. Observed: 1 variant allele.
Comment: The NM_000091.5(COL4A3):c.2864G>A (p.Gly955Glu) is a missense variant located in a Gly-X-Y repeat of the collagenous domain of COL4A3. This variant is reported to have an extremely low frequency in the gnomAD v3.1.2 (GRCh38) population database (PM2). Computational tools, including SIFT and PolyPhen, predict this variant to have a deleterious effect on the protein product (PP3). In summary, this variant meets criteria to be classified as Uncertain Significance for Alport syndrome based on the ACMG/AMP 2015 criteria applied: PM2, PP1, PP3, PP4.

NM_000091.5(COL4A3):c.2864G>A (p.Gly955Glu)

Genes: MFF-DT (MFF divergent transcript; minus strand), COL4A3 (collagen type IV alpha 3 chain; plus strand). Cytogenetic location: 2q36.3.
Variant type: single nucleotide variant.
Coding change: c.2864G>A on transcript NM_000091.5 (MANE Select); coding-DNA position 2864, G replaced by A.
Protein change: p.Gly955Glu; replaces glycine 955 with glutamic acid.
Molecular consequence: missense variant.
Genome position (GRCh38, 1-based): chr2:227,284,328, G>A. VCF-style: chr2-227284328-G-A. GRCh37 (hg19) VCF-style: chr2-228149044-G-A.
Other names: short protein forms G955E.
Identifiers: ClinVar variation 3236150 (VCV003236150.2), dbSNP rs2106175500, ClinGen allele CA350852482.
Genomic context (GRCh38, chr2:227,284,328, plus strand): 5'-AACAAGGAGATAAAGGAAATCCCGGGCCTTCAGAGATATCCCACGTAATAGGGGACAAAG[G>A]AGAACCAGGTCTCAAAGGTAAAGAATTGCTTGTTTGGAATCAGGACATCAGAGCTGATTC-3'
Protein context (NP_000082.2, residues 945-965): SEISHVIGDK[Gly955Glu]EPGLKGFAGN